The following is an entry in ClinVar:

ClinVar aggregate classification (germline): Pathogenic. Review status: criteria provided, multiple submitters, no conflicts (2 of 4 stars). 4 submissions from 4 submitters: Pathogenic (4). Last evaluated 2025-05-29.

Conditions:
Familial hemophagocytic lymphohistiocytosis 2 (FHL2). Also called: PRF1-Related Familial Hemophagocytic Lymphohistiocytosis (PRF1-fHLH). Identifiers: Orphanet 540, MedGen C1863727, MONDO:0011337, OMIM 603553.

Submissions (4):

Revvity Omics, Revvity
Classification: Pathogenic. Last evaluated: 2025-05-29. Review status: criteria provided, single submitter. Criteria: ACMG Guidelines, 2015. Collection method: clinical testing. Allele origin: germline.

Department of Medical Genetics, Bayan National Lab for Medical Diagnostics
Classification: Pathogenic for Familial hemophagocytic lymphohistiocytosis 2. Last evaluated: 2024-03-20. Review status: criteria provided, single submitter. Criteria: ACMG Guidelines, 2015. Collection method: case-control. Allele origin: germline. Inheritance: Autosomal recessive inheritance. Affected: yes and no. Observed: 4 variant alleles, 1 compound heterozygote, 3 homozygotes. Clinical features observed: Anemia (HP:0001903), Fever (HP:0001945), Hepatomegaly (HP:0002240), Splenomegaly (HP:0001744), Lymphadenopathy (HP:0002716), Bone marrow hypocellularity (HP:0005528), Immunodeficiency (HP:0002721), Recurrent infections (HP:0002719), Hemophagocytosis (HP:0012156).
Comment: The submitted variant (c.215_221delCCTGCAC) is a deletion of 7 nucleotides in exon 2 of PRF1 gene, it causes a frameshift in the encoded mRNA codons with creation of a stop at codon number 32 following the mutation site (p.Cys73Serfs*32), these changes of frameshift and premature stop codon generation are considered as strong pathogenic changes according to the criteria of the ACMG 2015 guidelines. We could not find the variant reported in the literature nor in public human variant databases, therefore we considered it a novel mutation. In silico assessment of the variant effect on the encoded protein (perforin) structure showed the production of a truncated perforin protein of 103 amino acid in comparison with the normal perforin protein that consists of 555 amino acids, which further supports the pathogenic effect of the submitted mutation. Furthermore, the mutation was detected in 4 patients (3 homozygous, and 1 compound heterozygous) with clinical picture typical of familial hemophagocytic lymphohistiocytosis (F-HLH) type 2, which is an autosomal recessive disease associated with pathogenic mutations in PRF1 gene. All these evidences strongly support the pathogenicity of the submitted mutation.

Victorian Clinical Genetics Services, Murdoch Childrens Research Institute
Classification: Pathogenic for Familial hemophagocytic lymphohistiocytosis 2. Last evaluated: 2023-07-17. Review status: criteria provided, single submitter. Criteria: ACMG Guidelines, 2015. Collection method: clinical testing. Allele origin: germline. Inheritance: Autosomal recessive inheritance. Affected: yes.
Comment: Based on the classification scheme VCGS_Germline_v1.3.4, this variant is classified as Pathogenic. Following criteria are met: 0102 - Loss of function is a known mechanism of disease in this gene and is associated with familial haemophagocytic lymphohistiocytosis 2 (MIM#603553). (I) 0106 - This gene is associated with autosomal recessive disease. (I) 0201 - Variant is predicted to cause nonsense-mediated decay (NMD) and loss of protein (premature termination codon is located at least 54 nucleotides upstream of the final exon-exon junction). (SP) 0252 - This variant is homozygous. (I) 0301 - Variant is absent from gnomAD (both v2 and v3). (SP) 0702 - Other variants predicted to cause NMD comparable to the one identified in this case have strong previous evidence for pathogenicity (DECIPHER, ClinVar, PMIDs: 11179007, 12716377). (SP) 0807 - This variant has no previous evidence of pathogenicity. (I) 0905 - No published segregation evidence has been identified for this variant. (I) 1007 - No published functional evidence has been identified for this variant. (I) Legend: (SP) - Supporting pathogenic, (I) - Information, (SB) - Supporting benign

Labcorp Genetics (formerly Invitae), Labcorp
Classification: Pathogenic for Familial hemophagocytic lymphohistiocytosis 2. Last evaluated: 2023-02-14. Review status: criteria provided, single submitter. Criteria: Invitae Variant Classification Sherloc (09022015). Collection method: clinical testing. Allele origin: germline.
Comment: This sequence change creates a premature translational stop signal (p.Cys73Serfs*32) in the PRF1 gene. It is expected to result in an absent or disrupted protein product. Loss-of-function variants in PRF1 are known to be pathogenic (PMID: 1156555, 16860143). This variant is not present in population databases (gnomAD no frequency). This variant has not been reported in the literature in individuals affected with PRF1-related conditions. For these reasons, this variant has been classified as Pathogenic.

Literature cited by the submitters: PubMed 11179007 (cited by Victorian Clinical Genetics Services, Murdoch Childrens Research Institute); PubMed 12716377 (cited by Victorian Clinical Genetics Services, Murdoch Childrens Research Institute); PubMed 1156555 (cited by Labcorp Genetics (formerly Invitae), Labcorp); PubMed 16860143 (cited by Labcorp Genetics (formerly Invitae), Labcorp).

NM_001083116.3(PRF1):c.218_224del (p.Cys73fs)

Gene: PRF1 (perforin 1; minus strand). Cytogenetic location: 10q22.1.
Variant type: Deletion.
Coding change: c.218_224del on transcript NM_001083116.3 (MANE Select); coding-DNA positions 218 to 224, 7 bases deleted (GCACCCT; older notation c.218_224delGCACCCT).
Protein change: p.Cys73fs; shifts the reading frame from cysteine 73.
Molecular consequence: frameshift variant.
Genome position (GRCh38, 1-based): chr10:70,600,679-70,600,685, AGGGTGC deleted on the plus strand (GCACCCT on the coding strand, the reverse complement: PRF1 is on the minus strand); deleting any 7 consecutive bases within chr10:70,600,679-70,600,688 gives the same sequence; the c. name uses the placement nearest the transcript's 3' end. VCF-style (leftmost placement, unchanged base first): chr10-70600678-GAGGGTGC-G. GRCh37 (hg19) VCF-style: chr10-72360434-GAGGGTGC-G.
Other names: p.Cys73Serfs*32; c.215_221delCCTGCAC (NM_001083116.3); c.218_224delGCACCCT (NM_001083116.1); c.218_224del, p.Cys73fs (NM_005041.6); short protein forms C73fs.
Identifiers: ClinVar variation 2692425 (VCV002692425.7), dbSNP rs2493487768, ClinGen allele CA2579988227.